The following is an entry in ClinVar:

ClinVar aggregate classification (germline): Uncertain significance (1 of 4 stars; one submission).

Conditions:
Intellectual developmental disorder, X-linked 1. Also called: Atkin Flaitz Patil Smith syndrome; MENTAL RETARDATION, X-LINKED 18; MENTAL RETARDATION, X-LINKED 78; Intellectual disability, X-linked 1. Identifiers: Orphanet 777, MedGen C2931498, MONDO:0010656, OMIM 309530.

Submission:

Labcorp Genetics (formerly Invitae), Labcorp
Classification: Uncertain significance for Intellectual developmental disorder, X-linked 1. Last evaluated: 2024-11-28. Review status: criteria provided, single submitter. Criteria: Invitae Variant Classification Sherloc (09022015). Collection method: clinical testing. Allele origin: germline.
Comment: This sequence change replaces glutamine, which is neutral and polar, with glutamic acid, which is acidic and polar, at codon 1422 of the IQSEC2 protein (p.Gln1422Glu). The frequency data for this variant in the population databases is considered unreliable, as metrics indicate insufficient coverage at this position in the gnomAD database. This variant has not been reported in the literature in individuals affected with IQSEC2-related conditions. Invitae Evidence Modeling of protein sequence and biophysical properties (such as structural, functional, and spatial information, amino acid conservation, physicochemical variation, residue mobility, and thermodynamic stability) indicates that this missense variant is not expected to disrupt IQSEC2 protein function with a negative predictive value of 95%. In summary, the available evidence is currently insufficient to determine the role of this variant in disease. Therefore, it has been classified as a Variant of Uncertain Significance.

NM_001111125.3(IQSEC2):c.4264C>G (p.Gln1422Glu)

Gene: IQSEC2 (IQ motif and Sec7 domain ArfGEF 2; minus strand). Cytogenetic location: Xp11.22.
Variant type: single nucleotide variant.
Coding change: c.4264C>G on transcript NM_001111125.3 (MANE Select); coding-DNA position 4264, C replaced by G.
Protein change: p.Gln1422Glu; replaces glutamine 1422 with glutamic acid.
Molecular consequence: missense variant. On other transcripts: 3 prime UTR variant (2).
Genome position (GRCh38, 1-based): chrX:53,234,422, G>C on the plus strand (C>G on the coding strand, the complement: IQSEC2 is on the minus strand). VCF-style: chrX-53234422-G-C. GRCh37 (hg19) VCF-style: chrX-53263604-G-C.
Other names: c.*749C>G (NM_001410736.1, NM_015075.2); short protein forms Q1422E.
Identifiers: ClinVar variation 3634895 (VCV003634895.2).